The following is an entry in ClinVar:

NM_013328.4(PYCR2):c.786T>G (p.Cys262Trp)

Gene: PYCR2 (pyrroline-5-carboxylate reductase 2; minus strand). Cytogenetic location: 1q42.12.
Variant type: single nucleotide variant.
Coding change: c.786T>G on transcript NM_013328.4 (MANE Select); coding-DNA position 786, T replaced by G.
Protein change: p.Cys262Trp; replaces cysteine 262 with tryptophan.
Molecular consequence: missense variant.
Genome position (GRCh38, 1-based): chr1:225,921,219, A>C on the plus strand (T>G on the coding strand, the complement: PYCR2 is on the minus strand). VCF-style: chr1-225921219-A-C. GRCh37 (hg19) VCF-style: chr1-226108919-A-C.
Other names: c.564T>G, p.Cys188Trp (NM_001271681.2); short protein forms C188W, C262W.
Identifiers: ClinVar variation 2113420 (VCV002113420.4), dbSNP rs2465055919, ClinGen allele CA345004671.

ClinVar aggregate classification (germline): Uncertain significance (1 of 4 stars; one submission).

Submission:

Labcorp Genetics (formerly Invitae), Labcorp
Classification: Uncertain significance. Last evaluated: 2024-10-22. Review status: criteria provided, single submitter. Criteria: Invitae Variant Classification Sherloc (09022015). Collection method: clinical testing. Allele origin: germline.
Comment: This sequence change replaces cysteine, which is neutral and slightly polar, with tryptophan, which is neutral and slightly polar, at codon 262 of the PYCR2 protein (p.Cys262Trp). This variant is not present in population databases (gnomAD no frequency). This variant has not been reported in the literature in individuals affected with PYCR2-related conditions. ClinVar contains an entry for this variant (Variation ID: 2113420). Invitae Evidence Modeling of protein sequence and biophysical properties (such as structural, functional, and spatial information, amino acid conservation, physicochemical variation, residue mobility, and thermodynamic stability) indicates that this missense variant is not expected to disrupt PYCR2 protein function with a negative predictive value of 80%. In summary, the available evidence is currently insufficient to determine the role of this variant in disease. Therefore, it has been classified as a Variant of Uncertain Significance.